The following is an entry in ClinVar:

ClinVar aggregate classification (germline): Pathogenic/Likely pathogenic. Review status: criteria provided, multiple submitters, no conflicts (2 of 4 stars). 4 submissions from 4 submitters: Pathogenic (2); Likely pathogenic (1). 1 of the submissions does not count toward it. Last evaluated 2025-04-23.

Conditions:
Birt-Hogg-Dube syndrome. Also called: Birt Hogg Dubé syndrome. Identifiers: Orphanet 122, MedGen C0346010, MONDO:0800444.
Hereditary cancer-predisposing syndrome. Also called: Tumor predisposition; Neoplastic Syndromes, Hereditary; Hereditary neoplastic syndrome; Hereditary Cancer Syndrome. Identifiers: Orphanet 140162, MedGen C0027672, MeSH D009386, MONDO:0015356.

Submissions (4):

ARUP Laboratories, Molecular Genetics and Genomics, ARUP Laboratories
Classification: Pathogenic. Last evaluated: 2025-04-23. Review status: criteria provided, single submitter. Criteria: ARUP Molecular Germline Variant Investigation Process 2024. Collection method: clinical testing. Allele origin: germline.
Comment: The FLCN c.397-1G>T variant (rs2144983515, ClinVar Variation ID: 1072205) is reported in the literature in an individual affected with Birt-Hogg-Dube syndrome (Namba 2023). This variant is absent from the Genome Aggregation Database (v2.1.1), indicating it is not a common polymorphism. This variant disrupts the canonical splice acceptor site of intron 5, which is likely to negatively impact gene function. Several other variants impacting this canonical splice acceptor site (c.397-2A>C, c.397-1G>C) have also been reported in individuals with Birt-Hogg-Dube syndrome and are considered disease-causing (Kumasaka 2014, Namba 2023, Nishii 2013). Based on available information, the c.397-1G>T variant is considered to be pathogenic. References: Kumasaka T et al. Characterization of pulmonary cysts in Birt-Hogg-Dube syndrome: histopathological and morphometric analysis of 229 pulmonary cysts from 50 unrelated patients. Histopathology. 2014 Jul;65(1):100-10. PMID: 24393238. Namba Y et al. Clinical and genetic features of 334 Asian patients with Birt-Hogg-Dube syndrome (BHDS) who presented with pulmonary cysts with or without a history of pneumothorax, with special reference to BHDS-associated pneumothorax. PLoS One. 2023 Jul 25;18(7):e0289175. PMID: 37490463. Nishii T et al. Unique mutation, accelerated mTOR signaling and angiogenesis in the pulmonary cysts of Birt-Hogg-Dube syndrome. Pathol Int. 2013 Jan;63(1):45-55. PMID: 23356225.

Labcorp Genetics (formerly Invitae), Labcorp
Classification: Pathogenic for Birt-Hogg-Dube syndrome. Last evaluated: 2023-05-24. Review status: criteria provided, single submitter. Criteria: Invitae Variant Classification Sherloc (09022015). Collection method: clinical testing. Allele origin: germline.
Comment: This sequence change affects an acceptor splice site in intron 5 of the FLCN gene. RNA analysis indicates that disruption of this splice site induces altered splicing and likely results in a shortened protein product. For these reasons, this variant has been classified as Pathogenic. This variant disrupts the p.Phe157 amino acid residue in FLCN. Other variant(s) that disrupt this residue have been determined to be pathogenic (PMID: 18505456, 22146830, 22571569, 27906882). This suggests that this residue is clinically significant, and that variants that disrupt this residue are likely to be disease-causing. Studies have shown that disruption of this splice site results in skipping of exon 6, but is expected to preserve the integrity of the reading-frame (PMID: 23356225). ClinVar contains an entry for this variant (Variation ID: 1072205). Disruption of this splice site has been observed in individual(s) with clinical features of Birt-Hogg-Dube syndrome (PMID: 23356225). This variant is not present in population databases (gnomAD no frequency).

Ambry Genetics
Classification: Likely pathogenic for Hereditary cancer-predisposing syndrome. Last evaluated: 2019-09-19. Review status: criteria provided, single submitter. Criteria: Ambry Variant Classification Scheme 2023. Collection method: clinical testing. Allele origin: germline.
Comment: The c.397-1G>T intronic variant results from a G to T substitution one nucleotide upstream from coding exon 3 of the FLCN gene. This nucleotide position is highly conserved in available vertebrate species. Using the BDGP and ESEfinder splice site prediction tools, this alteration is predicted to abolish the native splice acceptor site; however, direct evidence is unavailable. Alterations that disrupt the canonical splice site are expected to cause aberrant splicing, resulting in an abnormal protein or a transcript that is subject to nonsense-mediated mRNA decay. As such, this alteration is classified as likely pathogenic.

Division of Respiratory Medicine of Juntendo University, Juntendo University Faculty of Medicine and Graduate School of Medicine
Classification: Pathogenic for Birt-Hogg-Dube syndrome 1. Last evaluated: 2023-07-01. Review status: no assertion criteria provided. Collection method: clinical testing. Allele origin: germline. Affected: yes. Not counted in ClinVar's aggregate classification.

Literature cited by the submitters: PubMed 18505456 (cited by Labcorp Genetics (formerly Invitae), Labcorp); PubMed 22146830 (cited by Labcorp Genetics (formerly Invitae), Labcorp); PubMed 22571569 (cited by Labcorp Genetics (formerly Invitae), Labcorp); PubMed 27906882 (cited by Labcorp Genetics (formerly Invitae), Labcorp); PubMed 23356225 (cited by Labcorp Genetics (formerly Invitae), Labcorp).

NM_144997.7(FLCN):c.397-1G>T

Gene: FLCN (folliculin; minus strand). Cytogenetic location: 17p11.2.
Variant type: single nucleotide variant.
Coding change: c.397-1G>T on transcript NM_144997.7 (MANE Select); the canonical splice acceptor site of the intron before coding-DNA position 397, G replaced by T.
Molecular consequence: splice acceptor variant.
Genome position (GRCh38, 1-based): chr17:17,224,144, C>A on the plus strand (G>T on the coding strand, the complement: FLCN is on the minus strand). VCF-style: chr17-17224144-C-A. GRCh37 (hg19) VCF-style: chr17-17127458-C-A.
Other names: c.397-1G>T (NM_001353231.2, NM_001353230.2, NM_144606.7); c.451-1G>T (NM_001353229.2).
Identifiers: ClinVar variation 1072205 (VCV001072205.9), dbSNP rs2144983515, ClinGen allele CA398534659.
Genomic context (GRCh38, chr17:17,224,144, plus strand): 5'-GAACACAAAGCCGTGCTGCTCATCTCCGAAGAAGATGGGGCCTTCACGGCCAGGGCAGAC[C>A]TGGAGGGACACCGGCGACTCAGACAGCCCTTTCCTCGCTTAGTGACACCAAATCAAAGCC-3'